The following is an entry in ClinVar:

ClinVar aggregate classification (germline): Uncertain significance (1 of 4 stars; one submission).

Conditions:
Cardiovascular phenotype. Identifiers: MedGen CN230736.

gnomAD v4.1: 1 of 1,538,492 alleles (0.000065%); highest among the groups gnomAD compares: Non-Finnish European, 0.000088%; no homozygotes.

Submission:

Ambry Genetics
Classification: Uncertain significance for Cardiovascular phenotype. Last evaluated: 2024-10-04. Review status: criteria provided, single submitter. Criteria: Ambry Variant Classification Scheme 2023. Collection method: clinical testing. Allele origin: germline.
Comment: The p.R887P variant (also known as c.2660G>C), located in coding exon 11 of the KCNH2 gene, results from a G to C substitution at nucleotide position 2660. The arginine at codon 887 is replaced by proline, an amino acid with dissimilar properties. This amino acid position is well conserved in available vertebrate species. In addition, this alteration is predicted to be deleterious by in silico analysis. Based on the available evidence, the clinical significance of this variant remains unclear.

NM_000238.4(KCNH2):c.2660G>C (p.Arg887Pro)

Gene: KCNH2 (potassium voltage-gated channel subfamily H member 2; minus strand). Cytogenetic location: 7q36.1.
Variant type: single nucleotide variant.
Coding change: c.2660G>C on transcript NM_000238.4 (MANE Select); coding-DNA position 2660, G replaced by C.
Protein change: p.Arg887Pro; replaces arginine 887 with proline.
Molecular consequence: missense variant. On other transcripts: non-coding transcript variant (2).
Genome position (GRCh38, 1-based): chr7:150,948,476, C>G on the plus strand (G>C on the coding strand, the complement: KCNH2 is on the minus strand). VCF-style: chr7-150948476-C-G. GRCh37 (hg19) VCF-style: chr7-150645564-C-G.
Other names: c.2372G>C, p.Arg791Pro (NM_001406753.1); c.1640G>C, p.Arg547Pro (NM_172057.3); short protein forms R887P, R547P, R791P.
Identifiers: ClinVar variation 3532315 (VCV003532315.1).
Genomic context (GRCh38, chr7:150,948,476, plus strand): 5'-TCCCCCTTCCTCCCCTCCCCCGCCTCACCCTTGTCCGTGCGCCTGCGGAAGGACAACTTG[C>G]GCTTGCGTTGCCGACTGAAGCCACCCTCTAACTCCGTACTGCCGGGGGAGCCCGGGATCA-3'
Protein context (NP_000229.1, residues 877-897): LEGGFSRQRK[Arg887Pro]KLSFRRRTDK